The following is an entry in ClinVar:

NM_012144.4(DNAI1):c.2041G>A (p.Glu681Lys)

Gene: DNAI1 (dynein axonemal intermediate chain 1; plus strand). Cytogenetic location: 9p13.3.
Variant type: single nucleotide variant.
Coding change: c.2041G>A on transcript NM_012144.4 (MANE Select); coding-DNA position 2041, G replaced by A.
Protein change: p.Glu681Lys; replaces glutamic acid 681 with lysine.
Molecular consequence: missense variant.
Genome position (GRCh38, 1-based): chr9:34,520,697, G>A. VCF-style: chr9-34520697-G-A. GRCh37 (hg19) VCF-style: chr9-34520695-G-A.
Other names: c.2053G>A, p.Glu685Lys (NM_001281428.2); short protein forms E685K, E681K.
Identifiers: ClinVar variation 3084251 (VCV003084251.2), dbSNP rs758956642, ClinGen allele CA192655539.

ClinVar aggregate classification (germline): Uncertain significance (1 of 4 stars; one submission).

Conditions:
Primary ciliary dyskinesia. Also called: Ciliary dyskinesia. Identifiers: Orphanet 244, MedGen C0008780, MONDO:0016575, HP:0012265.

Allele frequency attached by ClinVar (database versions not stated): gnomAD exomes 0.00002; TOPMed 0.00002; gnomAD 0.00003.
gnomAD v4.1: 30 of 1,551,524 alleles (0.0019%); highest among the groups gnomAD compares: Non-Finnish European, 0.0024%; no homozygotes.

Submission:

Ambry Genetics
Classification: Uncertain significance for Primary ciliary dyskinesia. Last evaluated: 2026-04-23. Review status: criteria provided, single submitter. Criteria: Ambry Variant Classification Scheme 2023. Collection method: clinical testing. Allele origin: germline.
Comment: The p.E681K variant (also known as c.2041G>A), located in coding exon 20 of the DNAI1 gene, results from a G to A substitution at nucleotide position 2041. The glutamic acid at codon 681 is replaced by lysine, an amino acid with similar properties. This amino acid position is conserved. In addition, this alteration is predicted to be deleterious by in silico analysis. Based on the available evidence, the clinical significance of this variant remains unclear.